The following is an entry in ClinVar:

NM_007294.4(BRCA1):c.4986+9A>T

Gene: BRCA1 (BRCA1 DNA repair associated; minus strand). Cytogenetic location: 17q21.31.
Variant type: single nucleotide variant.
Coding change: c.4986+9A>T on transcript NM_007294.4 (MANE Select); 9 bases into the intron after coding-DNA position 4986, A replaced by T.
Molecular consequence: intron variant.
Genome position (GRCh38, 1-based): chr17:43,070,919, T>A on the plus strand (A>T on the coding strand, the complement: BRCA1 is on the minus strand). VCF-style: chr17-43070919-T-A. GRCh37 (hg19) VCF-style: chr17-41222936-T-A.
Other names: c.1674+9A>T (NM_007299.4, NM_001407991.1, NM_001407984.1 and 12 more transcripts); c.1677+9A>T (NM_001407974.1, NM_001407973.1, NM_001407975.1 and 3 more transcripts); c.2379+9A>T (NM_001407969.1); c.2382+9A>T (NM_001407968.1); c.4980+9A>T (NM_001407640.1, NM_001407631.1, NM_001407638.1 and 14 more transcripts); c.4983+9A>T (NM_001407626.1, NM_001407617.1, NM_001407622.1 and 17 more transcripts); c.4986+9A>T (NM_001407652.1, NM_001407854.1, NM_001407598.1 and 8 more transcripts); c.1461+9A>T (NM_001408492.1, NM_001408493.1); and 71 more.
Identifiers: ClinVar variation 630795 (VCV000630795.6), dbSNP rs1567774286, ClinGen allele CA913188817.

ClinVar aggregate classification (germline): Likely benign. Review status: criteria provided, multiple submitters, no conflicts (2 of 4 stars). 2 submissions from 2 submitters: Likely benign (2). Last evaluated 2025-09-03.

Conditions:
Hereditary breast ovarian cancer syndrome. Also called: Hereditary breast and ovarian cancer syndrome (HBOC); Hereditary breast and ovarian cancer; BRCA1- and BRCA2-Associated Hereditary Breast and Ovarian Cancer; Breast and ovarian cancer; Hereditary breast and ovarian cancer syndrome; Hereditary breast and/or ovarian cancer syndrome. Identifiers: Orphanet 145, MedGen C0677776, MeSH D061325, MONDO:0003582. Disease mechanism: loss of function.
Hereditary cancer-predisposing syndrome. Also called: Hereditary neoplastic syndrome; Tumor predisposition; Hereditary Cancer Syndrome; Neoplastic Syndromes, Hereditary. Identifiers: Orphanet 140162, MedGen C0027672, MeSH D009386, MONDO:0015356.

Allele frequency attached by ClinVar (database versions not stated): gnomAD exomes below 0.00001.
gnomAD v4.1: 1 of 1,614,034 alleles (0.000062%); highest among the groups gnomAD compares: Non-Finnish European, 0.000085%; no homozygotes.

Submissions (3):

Labcorp Genetics (formerly Invitae), Labcorp
Classification: Likely benign for Hereditary breast ovarian cancer syndrome. Last evaluated: 2025-09-03. Review status: criteria provided, single submitter. Criteria: Invitae Variant Classification Sherloc (09022015). Collection method: clinical testing. Allele origin: germline.

Color Diagnostics, LLC DBA Color Health
Classification: Likely benign for Hereditary cancer-predisposing syndrome. Last evaluated: 2017-11-15. Review status: criteria provided, single submitter. Criteria: ACMG Guidelines, 2015. Collection method: clinical testing. Allele origin: germline.

Brotman Baty Institute, University of Washington
No classification provided (evidence only). Condition: Breast-ovarian cancer, familial 1. Review status: no classification provided. Collection method: in vitro. Allele origin: not applicable. Functional consequence: functionally_normal. Not counted in ClinVar's aggregate classification.
ClinVar note: "not provided" was previously submitted as the classification for the variant. However, the classification appeared to be based only on an observation of functional data so it was converted to no classification on 2025-07-30.